The following is an entry in ClinVar:

ClinVar aggregate classification (germline): Uncertain significance (1 of 4 stars; one submission).

Submission:

GeneDx
Classification: Uncertain significance. Last evaluated: 2024-06-30. Review status: criteria provided, single submitter. Criteria: GeneDx Variant Classification Process June 2021. Collection method: clinical testing. Allele origin: germline. Affected: yes.
Comment: Not observed at significant frequency in large population cohorts (gnomAD); In silico analysis supports that this missense variant has a deleterious effect on protein structure/function; Has not been previously published as pathogenic or benign to our knowledge

NM_003590.5(CUL3):c.2165T>C (p.Leu722Pro)

Gene: CUL3 (cullin 3; minus strand). Cytogenetic location: 2q36.2.
Variant type: single nucleotide variant.
Coding change: c.2165T>C on transcript NM_003590.5 (MANE Select); coding-DNA position 2165, T replaced by C.
Protein change: p.Leu722Pro; replaces leucine 722 with proline.
Molecular consequence: missense variant.
Genome position (GRCh38, 1-based): chr2:224,478,210, A>G on the plus strand (T>C on the coding strand, the complement: CUL3 is on the minus strand). VCF-style: chr2-224478210-A-G. GRCh37 (hg19) VCF-style: chr2-225342927-A-G.
Other names: c.1967T>C, p.Leu656Pro (NM_001257197.2); c.2183T>C, p.Leu728Pro (NM_001257198.2); short protein forms L722P, L728P, L656P.
Identifiers: ClinVar variation 3393654 (VCV003393654.1).